The following is an entry in ClinVar:

ClinVar aggregate classification (germline): Likely benign. Review status: criteria provided, single submitter (1 of 4 stars). 2 submissions from 2 submitters: Likely benign (1). 1 of the submissions does not count toward it. Last evaluated 2026-01-06.

Conditions:
RELN-related disorder. Also called: RELN-related condition.
Norman-Roberts syndrome (LIS2). Also called: Lissencephaly 2 (Norman-Roberts type). Identifiers: Orphanet 89844, MedGen C0796089, MONDO:0009760, OMIM 257320.
Familial temporal lobe epilepsy 7. Identifiers: Orphanet 101046, MedGen C4225327, MONDO:0014639, OMIM 616436.

Submissions (2):

Labcorp Genetics (formerly Invitae), Labcorp
Classification: Likely benign for Familial temporal lobe epilepsy 7; Norman-Roberts syndrome. Last evaluated: 2026-01-06. Review status: criteria provided, single submitter. Criteria: Invitae Variant Classification Sherloc (09022015). Collection method: clinical testing. Allele origin: germline.

PreventionGenetics, part of Exact Sciences
Classification: Likely benign for RELN-related condition. Last evaluated: 2021-11-15. Review status: no assertion criteria provided. Collection method: clinical testing. Allele origin: germline. Not counted in ClinVar's aggregate classification.
Comment: This variant is classified as likely benign based on ACMG/AMP sequence variant interpretation guidelines (Richards et al. 2015 PMID: 25741868, with internal and published modifications).

NM_005045.4(RELN):c.9194-80CAAGAGAATAATATGCCATATTGCTTCCAATTTTCCT[3]

Genes: SLC26A5-AS1 (SLC26A5 antisense RNA 1; plus strand), RELN (reelin; minus strand). Cytogenetic location: 7q22.1.
Variant type: Microsatellite.
Coding change: c.9194-80CAAGAGAATAATATGCCATATTGCTTCCAATTTTCCT[3] on transcript NM_005045.4 (MANE Select); three copies in a row of the 37-base unit CAAGAGAATAATATGCCATATTGCTTCCAATTTTCCT starting at c.9194-80; the reference has two copies in a row; one copy, 37 bases duplicated.
Molecular consequence: intron variant.
Genome position (GRCh38, 1-based): chr7:103,495,905-103,495,941, 37 bases duplicated; duplicating any 37 consecutive bases within chr7:103,495,905-103,495,979 gives the same sequence; the position shown is the placement nearest the transcript's 3' end. GRCh37 (hg19), VCF-style position (the base before the change): chr7:103,136,351.
Other names: c.9194-80CAAGAGAATAATATGCCATATTGCTTCCAATTTTCCT[3] (NM_173054.3); c.9194-43_9194-7dup37 (NM_005045.3).
Identifiers: ClinVar variation 1131458 (VCV001131458.11), dbSNP rs767897798, ClinGen allele CA577196843.